The following is an entry in ClinVar:

NM_004006.3(DMD):c.7872+1G>A

Gene: DMD (dystrophin; minus strand). Cytogenetic location: Xp21.1.
Variant type: single nucleotide variant.
Coding change: c.7872+1G>A on transcript NM_004006.3 (MANE Select); the canonical splice donor site of the intron after coding-DNA position 7872, G replaced by A.
Molecular consequence: splice donor variant.
Genome position (GRCh38, 1-based): chrX:31,679,374, C>T on the plus strand (G>A on the coding strand, the complement: DMD is on the minus strand). VCF-style: chrX-31679374-C-T. GRCh37 (hg19) VCF-style: chrX-31697491-C-T.
Other names: c.7848+1G>A (NM_000109.4); c.3849+1G>A (NM_004011.4); c.3840+1G>A (NM_004012.4); c.492+1G>A (NM_004023.3, NM_004020.4, NM_004022.3 and 2 more transcripts); c.7860+1G>A (NM_004009.3); c.7503+1G>A (NM_004010.3).
Identifiers: ClinVar variation 803832 (VCV000803832.13), dbSNP rs1603445278, ClinGen allele CA412656543.

ClinVar aggregate classification (germline): Pathogenic/Likely pathogenic. Review status: criteria provided, multiple submitters, no conflicts (2 of 4 stars). 3 submissions from 3 submitters: Pathogenic (2); Likely pathogenic (1). Last evaluated 2025-08-03.

Conditions:
Duchenne muscular dystrophy (DMD). Also called: Duchenne Muscular Dystrophy (DMD); MUSCULAR DYSTROPHY, PSEUDOHYPERTROPHIC PROGRESSIVE, DUCHENNE TYPE. Identifiers: Orphanet 98896, MedGen C0013264, MONDO:0010679, OMIM 310200.

Submissions (3):

Labcorp Genetics (formerly Invitae), Labcorp
Classification: Likely pathogenic for Duchenne muscular dystrophy. Last evaluated: 2025-08-03. Review status: criteria provided, single submitter. Criteria: Invitae Variant Classification Sherloc (09022015). Collection method: clinical testing. Allele origin: germline.
Comment: This sequence change affects a donor splice site in intron 53 of the DMD gene. It is expected to disrupt RNA splicing. Variants that disrupt the donor or acceptor splice site typically lead to a loss of protein function (PMID: 16199547), and loss-of-function variants in DMD are known to be pathogenic (PMID: 16770791, 25007885). This variant is not present in population databases (gnomAD no frequency). Disruption of this splice site has been observed in individual(s) with DMD-related conditions (PMID: 25972034). ClinVar contains an entry for this variant (Variation ID: 803832). Algorithms developed to predict the effect of sequence changes on RNA splicing suggest that this variant may disrupt the consensus splice site. In summary, the currently available evidence indicates that the variant is pathogenic, but additional data are needed to prove that conclusively. Therefore, this variant has been classified as Likely Pathogenic.

Revvity Omics, Revvity
Classification: Pathogenic. Last evaluated: 2020-08-11. Review status: criteria provided, single submitter. Criteria: ACMG Guidelines, 2015. Collection method: clinical testing. Allele origin: germline.

Mendelics
Classification: Pathogenic for Duchenne muscular dystrophy. Last evaluated: 2019-05-28. Review status: criteria provided, single submitter. Criteria: Mendelics Assertion Criteria 2017. Collection method: clinical testing. Allele origin: unknown.

Literature cited by the submitters: PubMed 16199547 (cited by Labcorp Genetics (formerly Invitae), Labcorp); PubMed 16770791 (cited by Labcorp Genetics (formerly Invitae), Labcorp); PubMed 25007885 (cited by Labcorp Genetics (formerly Invitae), Labcorp); PubMed 25972034 (cited by Labcorp Genetics (formerly Invitae), Labcorp).